The following is an entry in ClinVar:

ClinVar aggregate classification (germline): Benign. Review status: criteria provided, multiple submitters, no conflicts (2 of 4 stars). 5 submissions from 5 submitters: Benign (5). Last evaluated 2026-05-08.

Conditions:
3M syndrome 1. Also called: 3-M Syndrome, CUL7-Related. Identifiers: Orphanet 2616, MedGen C2678312, MONDO:0010117, OMIM 273750.

Allele frequency attached by ClinVar (database versions not stated): gnomAD 0.27596 and 0.27188; TOPMed 0.29365; 1000 Genomes Project 0.32508; gnomAD exomes 0.15685 and 0.19333; ExAC 0.20177; ESP Exome Variant Server 0.28264; 1000 Genomes Project 30x 0.33401.
gnomAD v4.1: 272,015 of 1,613,972 alleles (17%); highest among the groups gnomAD compares: African/African-American, 58%; 31,149 homozygotes.

Submissions (5):

Women's Health and Genetics/Laboratory Corporation of America, LabCorp
Classification: Benign. Last evaluated: 2026-05-08. Review status: criteria provided, single submitter. Criteria: LabCorp Variant Classification Summary - May 2015. Collection method: clinical testing. Allele origin: germline.

Labcorp Genetics (formerly Invitae), Labcorp
Classification: Benign. Last evaluated: 2026-02-04. Review status: criteria provided, single submitter. Criteria: Invitae Variant Classification Sherloc (09022015). Collection method: clinical testing. Allele origin: germline.

GeneDx
Classification: Benign. Last evaluated: 2018-11-10. Review status: criteria provided, single submitter. Criteria: GeneDx Variant Classification Process June 2021. Collection method: clinical testing. Allele origin: germline. Affected: yes.

Illumina Laboratory Services, Illumina
Classification: Benign for 3M syndrome 1. Last evaluated: 2018-01-13. Review status: criteria provided, single submitter. Criteria: ICSL Variant Classification Criteria 13 December 2019. Collection method: clinical testing. Allele origin: germline.
Comment: This variant was observed in the ICSL laboratory as part of a predisposition screen in an ostensibly healthy population. It had not been previously curated by ICSL or reported in the Human Gene Mutation Database (HGMD: prior to June 1st, 2018), and was therefore a candidate for classification through an automated scoring system. Utilizing variant allele frequency, disease prevalence and penetrance estimates, and inheritance mode, an automated score was calculated to assess if this variant is too frequent to cause the disease. Based on the score and internal cut-off values, a variant classified as benign is not then subjected to further curation. The score for this variant resulted in a classification of benign for this disease.

PreventionGenetics, part of Exact Sciences
Classification: Benign. Review status: criteria provided, single submitter. Criteria: ACMG Guidelines, 2015. Collection method: clinical testing. Allele origin: germline.

NM_014780.5(CUL7):c.3993G>A (p.Leu1331=)

Gene: CUL7 (cullin 7; minus strand). Cytogenetic location: 6p21.1.
Variant type: single nucleotide variant.
Coding change: c.3993G>A on transcript NM_014780.5 (MANE Select); coding-DNA position 3993, G replaced by A.
Protein change: p.Leu1331=; no amino-acid change (leucine 1331 retained).
Molecular consequence: synonymous variant.
Genome position (GRCh38, 1-based): chr6:43,040,560, C>T on the plus strand (G>A on the coding strand, the complement: CUL7 is on the minus strand). VCF-style: chr6-43040560-C-T. GRCh37 (hg19) VCF-style: chr6-43008298-C-T.
Other names: c.4089G>A, p.Leu1363= (NM_001168370.2, NM_001374872.1); c.3993G>A, p.Leu1331= (NM_001374873.1); c.3990G>A, p.Leu1330= (NM_001374874.1).
Identifiers: ClinVar variation 260441 (VCV000260441.18), dbSNP rs2273917, ClinGen allele CA3813341.